The following is an entry in ClinVar:

NM_005022.4(PFN1):c.280G>T (p.Gly94Cys)

Gene: PFN1 (profilin 1; minus strand). Cytogenetic location: 17p13.2.
Variant type: single nucleotide variant.
Coding change: c.280G>T on transcript NM_005022.4 (MANE Select); coding-DNA position 280, G replaced by T.
Protein change: p.Gly94Cys; replaces glycine 94 with cysteine.
Molecular consequence: missense variant.
Genome position (GRCh38, 1-based): chr17:4,946,673, C>A on the plus strand (G>T on the coding strand, the complement: PFN1 is on the minus strand). VCF-style: chr17-4946673-C-A. GRCh37 (hg19) VCF-style: chr17-4849968-C-A.
Other names: c.280G>T, p.Gly94Cys (NM_001375991.1); short protein forms G94C.
Identifiers: ClinVar variation 1803758 (VCV001803758.7), dbSNP rs759969693, ClinGen allele CA397271880.

ClinVar aggregate classification (germline): Uncertain significance. Review status: criteria provided, multiple submitters, no conflicts (2 of 4 stars). 3 submissions from 3 submitters: Uncertain significance (3). Last evaluated 2022-09-28.

Conditions:
PFN1-related disorder. Also called: PFN1-related condition.
Amyotrophic lateral sclerosis type 18. Identifiers: Orphanet 803, MedGen C3553719, MONDO:0013891, OMIM 614808.

Allele frequency attached by ClinVar (database versions not stated): gnomAD 0.00001.
gnomAD v4.1: 9 of 1,613,774 alleles (0.00056%); highest among the groups gnomAD compares: East Asian, 0.016%; no homozygotes.

Submissions (3):

PreventionGenetics, part of Exact Sciences
Classification: Uncertain significance for PFN1-related condition. Last evaluated: 2022-09-28. Review status: criteria provided, single submitter. Criteria: ACMG Guidelines, 2015. Collection method: clinical testing. Allele origin: germline.
Comment: The PFN1 c.280G>T variant is predicted to result in the amino acid substitution p.Gly94Cys. To our knowledge, this variant has not been reported in the literature. This variant is reported in 0.011% of alleles in individuals of East Asian descent in gnomAD. At this time, the clinical significance of this variant is uncertain due to the absence of conclusive functional and genetic evidence.

Labcorp Genetics (formerly Invitae), Labcorp
Classification: Uncertain significance. Last evaluated: 2022-08-31. Review status: criteria provided, single submitter. Criteria: Invitae Variant Classification Sherloc (09022015). Collection method: clinical testing. Allele origin: germline.
Comment: This sequence change replaces glycine, which is neutral and non-polar, with cysteine, which is neutral and slightly polar, at codon 94 of the PFN1 protein (p.Gly94Cys). This variant is present in population databases (no rsID available, gnomAD 0.01%). This variant has not been reported in the literature in individuals affected with PFN1-related conditions. Algorithms developed to predict the effect of missense changes on protein structure and function are either unavailable or do not agree on the potential impact of this missense change (SIFT: "Deleterious"; PolyPhen-2: "Benign"; Align-GVGD: "Class C0"). In summary, the available evidence is currently insufficient to determine the role of this variant in disease. Therefore, it has been classified as a Variant of Uncertain Significance.

HudsonAlpha Institute for Biotechnology
Classification: Uncertain significance for Amyotrophic lateral sclerosis type 18. Last evaluated: 2020-03-27. Review status: criteria provided, single submitter. Criteria: ACMG Guidelines, 2015. Collection method: research. Allele origin: unknown. Observed: 1 variant allele. Study: HudsonAlpha-AGHI-WGS.
Comment: ACMG codes:PP3